The following is an entry in ClinVar:

ClinVar aggregate classification (germline): Uncertain significance (1 of 4 stars; one submission).

gnomAD v4.1: 28 of 1,614,062 alleles (0.0017%); highest among the groups gnomAD compares: Non-Finnish European, 0.0021%; no homozygotes.

Submission:

Labcorp Genetics (formerly Invitae), Labcorp
Classification: Uncertain significance. Last evaluated: 2024-11-08. Review status: criteria provided, single submitter. Criteria: Invitae Variant Classification Sherloc (09022015). Collection method: clinical testing. Allele origin: germline.
Comment: This sequence change replaces arginine, which is basic and polar, with glutamine, which is neutral and polar, at codon 490 of the SORL1 protein (p.Arg490Gln). This variant is present in population databases (rs145195996, gnomAD 0.006%). This missense change has been observed in individual(s) with clinical features of early-onset Alzheimer disease (PMID: 28789839). An algorithm developed to predict the effect of missense changes on protein structure and function (PolyPhen-2) suggests that this variant is likely to be disruptive. In summary, the available evidence is currently insufficient to determine the role of this variant in disease. Therefore, it has been classified as a Variant of Uncertain Significance.

Literature cited by the submitters: PubMed 28789839.

NM_003105.6(SORL1):c.1469G>A (p.Arg490Gln)

Gene: SORL1 (sortilin related receptor 1; plus strand). Cytogenetic location: 11q24.1.
Variant type: single nucleotide variant.
Coding change: c.1469G>A on transcript NM_003105.6 (MANE Select); coding-DNA position 1469, G replaced by A.
Protein change: p.Arg490Gln; replaces arginine 490 with glutamine.
Molecular consequence: missense variant.
Genome position (GRCh38, 1-based): chr11:121,522,650, G>A. VCF-style: chr11-121522650-G-A. GRCh37 (hg19) VCF-style: chr11-121393359-G-A.
Other names: short protein forms R490Q.
Identifiers: ClinVar variation 3704424 (VCV003704424.2).
Genomic context (GRCh38, chr11:121,522,650, plus strand): 5'-CCCAGGGCTGTTCCCTTCATCTGGCTCAGCGCCTCAGTCAGCTCCTCAACCTCCAGCTCC[G>A]GAGAATGCCCATCCTGTCCAAGGAGTCGGCTCCAGGCCTCATCATCGCCACTGGTAAGTG-3'
Protein context (NP_003096.2, residues 480-500): RLSQLLNLQL[Arg490Gln]RMPILSKESA